The following is an entry in ClinVar:

NM_019032.6(ADAMTSL4):c.1883C>A (p.Pro628Gln)

Genes: ADAMTSL4 (ADAMTS like 4; plus strand), ADAMTSL4-AS2 (ADAMTSL4 antisense RNA 2; minus strand). Cytogenetic location: 1q21.2.
Variant type: single nucleotide variant.
Coding change: c.1883C>A on transcript NM_019032.6 (MANE Select); coding-DNA position 1883, C replaced by A.
Protein change: p.Pro628Gln; replaces proline 628 with glutamine.
Molecular consequence: missense variant. On other transcripts: intron variant (1).
Genome position (GRCh38, 1-based): chr1:150,557,171, C>A. VCF-style: chr1-150557171-C-A. GRCh37 (hg19) VCF-style: chr1-150529647-C-A.
Other names: c.1952C>A, p.Pro651Gln (NM_001288608.2); c.1883C>A, p.Pro628Gln (NM_001378596.1, NM_025008.5); c.1857-91C>A (NM_001288607.2); short protein forms P628Q, P651Q.
Identifiers: ClinVar variation 2193799 (VCV002193799.4), dbSNP rs2526725127, ClinGen allele CA342313524.

ClinVar aggregate classification (germline): Uncertain significance (1 of 4 stars; one submission).

gnomAD v4.1: 1 of 1,611,958 alleles (0.000062%); highest among the groups gnomAD compares: Non-Finnish European, 0.000085%; no homozygotes.

Submission:

Labcorp Genetics (formerly Invitae), Labcorp
Classification: Uncertain significance. Last evaluated: 2022-04-21. Review status: criteria provided, single submitter. Criteria: Invitae Variant Classification Sherloc (09022015). Collection method: clinical testing. Allele origin: germline.
Comment: In summary, the available evidence is currently insufficient to determine the role of this variant in disease. Therefore, it has been classified as a Variant of Uncertain Significance. Algorithms developed to predict the effect of missense changes on protein structure and function output the following: SIFT: "Tolerated"; PolyPhen-2: "Benign"; Align-GVGD: "Class C0". The glutamine amino acid residue is found in multiple mammalian species, which suggests that this missense change does not adversely affect protein function. This variant has not been reported in the literature in individuals affected with ADAMTSL4-related conditions. This variant is not present in population databases (gnomAD no frequency). This sequence change replaces proline, which is neutral and non-polar, with glutamine, which is neutral and polar, at codon 628 of the ADAMTSL4 protein (p.Pro628Gln).